The following is an entry in ClinVar:

NM_017671.5(FERMT1):c.*2204T>C

Gene: FERMT1 (FERM domain containing kindlin 1; minus strand). Cytogenetic location: 20p12.3.
Variant type: single nucleotide variant.
Coding change: c.*2204T>C on transcript NM_017671.5 (MANE Select); 2204 bases downstream of the stop codon, T replaced by C.
Molecular consequence: 3 prime UTR variant.
Genome position (GRCh38, 1-based): chr20:6,074,969, A>G on the plus strand (T>C on the coding strand, the complement: FERMT1 is on the minus strand). VCF-style: chr20-6074969-A-G. GRCh37 (hg19) VCF-style: chr20-6055616-A-G.
Identifiers: ClinVar variation 339166 (VCV000339166.5), dbSNP rs369543395, ClinGen allele CA10650117.

ClinVar aggregate classification (germline): Likely benign (1 of 4 stars; one submission).

Conditions:
Kindler syndrome (KNDLRS). Also called: BULLOUS ACROKERATOTIC POIKILODERMA OF KINDLER AND WEARY; POIKILODERMA, CONGENITAL, WITH BULLAE, WEARY TYPE; POIKILODERMA, HEREDITARY ACROKERATOTIC; Hereditary acrokeratotic poikiloderma of Weary; Poikiloderma of Kindler; Congenital bullous poikiloderma. Identifiers: Orphanet 2908, Orphanet 306539, MedGen C0406557, MONDO:0008260, OMIM 173650.

Allele frequency attached by ClinVar (database versions not stated): gnomAD 0.00001 and 0.00034; TOPMed 0.00004; 1000 Genomes Project 0.00200; 1000 Genomes Project 30x 0.00203.

Submission:

Illumina Laboratory Services, Illumina
Classification: Likely benign for Kindler syndrome. Last evaluated: 2018-01-12. Review status: criteria provided, single submitter. Criteria: ICSL Variant Classification Criteria 13 December 2019. Collection method: clinical testing. Allele origin: germline.
Comment: This variant was observed in the ICSL laboratory as part of a predisposition screen in an ostensibly healthy population. It had not been previously curated by ICSL or reported in the Human Gene Mutation Database (HGMD: prior to June 1st, 2018), and was therefore a candidate for classification through an automated scoring system. Utilizing variant allele frequency, disease prevalence and penetrance estimates, and inheritance mode, an automated score was calculated to assess if this variant is too frequent to cause the disease. Based on the score and internal cut-off values, a variant classified as likely benign is not then subjected to further curation. The score for this variant resulted in a classification of likely benign for this disease.